The following is an entry in ClinVar:

ClinVar aggregate classification (germline): Uncertain significance (1 of 4 stars; one submission).

Conditions:
Long QT syndrome (LQTS). Identifiers: MedGen C0023976, MeSH D008133, MONDO:0002442. Disease mechanism: loss of function. Inheritance: Various modes of inheritance.

gnomAD v4.1: 1 of 1,614,134 alleles (0.000062%); highest among the groups gnomAD compares: Non-Finnish European, 0.000085%; no homozygotes.

Submission:

Labcorp Genetics (formerly Invitae), Labcorp
Classification: Uncertain significance for Long QT syndrome. Last evaluated: 2024-05-17. Review status: criteria provided, single submitter. Criteria: Invitae Variant Classification Sherloc (09022015). Collection method: clinical testing. Allele origin: germline.
Comment: This sequence change replaces proline, which is neutral and non-polar, with leucine, which is neutral and non-polar, at codon 405 of the KCNH2 protein (p.Pro405Leu). This variant is not present in population databases (gnomAD no frequency). This variant has not been reported in the literature in individuals affected with KCNH2-related conditions. An algorithm developed to predict the effect of missense changes on protein structure and function (PolyPhen-2) suggests that this variant is likely to be disruptive. In summary, the available evidence is currently insufficient to determine the role of this variant in disease. Therefore, it has been classified as a Variant of Uncertain Significance.

NM_000238.4(KCNH2):c.1214C>T (p.Pro405Leu)

Gene: KCNH2 (potassium voltage-gated channel subfamily H member 2; minus strand). Cytogenetic location: 7q36.1.
Variant type: single nucleotide variant.
Coding change: c.1214C>T on transcript NM_000238.4 (MANE Select); coding-DNA position 1214, C replaced by T.
Protein change: p.Pro405Leu; replaces proline 405 with leucine.
Molecular consequence: missense variant. On other transcripts: non-coding transcript variant (2).
Genome position (GRCh38, 1-based): chr7:150,952,768, G>A on the plus strand (C>T on the coding strand, the complement: KCNH2 is on the minus strand). VCF-style: chr7-150952768-G-A. GRCh37 (hg19) VCF-style: chr7-150649856-G-A.
Other names: c.194C>T, p.Pro65Leu (NM_001204798.2, NM_172057.3); c.926C>T, p.Pro309Leu (NM_001406753.1, NM_001406756.1); c.1037C>T, p.Pro346Leu (NM_001406755.1); c.914C>T, p.Pro305Leu (NM_001406757.1); c.1214C>T, p.Pro405Leu (NM_172056.3); short protein forms P305L, P405L, P346L, P309L, P65L.
Identifiers: ClinVar variation 3639204 (VCV003639204.2).